The following is an entry in ClinVar:

NM_001166114.2(PNPLA6):c.3700-168G>A

Gene: PNPLA6 (patatin like domain 6, lysophospholipase; plus strand). Cytogenetic location: 19p13.2.
Variant type: single nucleotide variant.
Coding change: c.3700-168G>A on transcript NM_001166114.2 (MANE Select); 168 bases into the intron before coding-DNA position 3700, G replaced by A.
Molecular consequence: intron variant.
Genome position (GRCh38, 1-based): chr19:7,560,480, G>A. VCF-style: chr19-7560480-G-A. GRCh37 (hg19) VCF-style: chr19-7625366-G-A.
Other names: c.3586-168G>A (NM_006702.5, NM_001166113.1); c.3505-168G>A (NM_001166112.2); c.3730-168G>A (NM_001166111.2).
Identifiers: ClinVar variation 667949 (VCV000667949.2), dbSNP rs752972, ClinGen allele CA14682376.

ClinVar aggregate classification (germline): Benign. Review status: criteria provided, multiple submitters, no conflicts (2 of 4 stars). 2 submissions from 2 submitters: Benign (2). Last evaluated 2018-06-14.

Allele frequency attached by ClinVar (database versions not stated): gnomAD 0.16629 and 0.16864; gnomAD exomes 0.17214; TOPMed 0.17528; 1000 Genomes Project 30x 0.19566; 1000 Genomes Project 0.19649.
gnomAD v4.1: 117,556 of 684,916 alleles (17%); highest among the groups gnomAD compares: East Asian, 23%; 10,522 homozygotes.

Submissions (2):

GeneDx
Classification: Benign. Last evaluated: 2018-06-14. Review status: criteria provided, single submitter. Criteria: GeneDx Variant Classification (06012015). Collection method: clinical testing. Allele origin: germline. Affected: yes.
Comment: This variant is considered likely benign or benign based on one or more of the following criteria: it is a conservative change, it occurs at a poorly conserved position in the protein, it is predicted to be benign by multiple in silico algorithms, and/or has population frequency not consistent with disease.

Breakthrough Genomics
Classification: Benign. Review status: criteria provided, single submitter. Criteria: ACMG Guidelines, 2015. Collection method: not provided. Allele origin: germline. Inheritance: Autosomal recessive inheritance. Affected: yes.